The following is an entry in ClinVar:

NM_001009944.3(PKD1):c.11701C>G (p.Leu3901Val)

Gene: PKD1 (polycystin 1, transient receptor potential channel interacting; minus strand). Cytogenetic location: 16p13.3.
Variant type: single nucleotide variant.
Coding change: c.11701C>G on transcript NM_001009944.3 (MANE Select); coding-DNA position 11701, C replaced by G.
Protein change: p.Leu3901Val; replaces leucine 3901 with valine.
Molecular consequence: missense variant.
Genome position (GRCh38, 1-based): chr16:2,091,434, G>C on the plus strand (C>G on the coding strand, the complement: PKD1 is on the minus strand). VCF-style: chr16-2091434-G-C. GRCh37 (hg19) VCF-style: chr16-2141435-G-C.
Other names: c.11698C>G, p.Leu3900Val (NM_000296.4); short protein forms L3900V, L3901V.
Identifiers: ClinVar variation 4627752 (VCV004627752.2).

ClinVar aggregate classification (germline): Uncertain significance. Review status: criteria provided, multiple submitters, no conflicts (2 of 4 stars). 2 submissions from 2 submitters: Uncertain significance (2). Last evaluated 2025-12-16.

Conditions:
Inborn genetic diseases. Identifiers: MedGen C0950123, MeSH D030342.

gnomAD v4.1: 8 of 1,185,982 alleles (0.00067%); highest among the groups gnomAD compares: Non-Finnish European, 0.00084%; no homozygotes.

Submissions (2):

Genetic Services Laboratory, University of Chicago
Classification: Uncertain significance. Last evaluated: 2025-12-16. Review status: criteria provided, single submitter. Criteria: ACMG Guidelines, 2015. Collection method: clinical testing. Allele origin: germline.
Comment: The c.11701C>G variant: Results in an amino acid change, p.Leu3901Val. Does not appear to have been previously described in individuals with PKD1-related disorders. Is reported in the gnomAD v4 database with a frequency of 0.00083% in the European subpopulation (dbSNP rs1436925319). Affects a moderately conserved amino acid residue located in a domain of the PKD1 protein that is known to be functional. Appears to be benign using several in-silico pathogenicity prediction tools. ClinVar contains an entry for this variant (Variation ID: 4627752). Due to insufficient evidence and the lack of functional studies, the clinical significance of the p.Leu3901Val variant remains unknown at this time.

Ambry Genetics
Classification: Uncertain significance for Inborn genetic diseases. Last evaluated: 2025-12-02. Review status: criteria provided, single submitter. Criteria: Ambry Variant Classification Scheme 2023. Collection method: clinical testing. Allele origin: germline.